The following is an entry in ClinVar:

NM_182961.4(SYNE1):c.19594G>A (p.Gly6532Arg)

Gene: SYNE1 (spectrin repeat containing nuclear envelope protein 1; minus strand). Cytogenetic location: 6q25.2.
Variant type: single nucleotide variant.
Coding change: c.19594G>A on transcript NM_182961.4 (MANE Select); coding-DNA position 19594, G replaced by A.
Protein change: p.Gly6532Arg; replaces glycine 6532 with arginine.
Molecular consequence: missense variant.
Genome position (GRCh38, 1-based): chr6:152,244,635, C>T on the plus strand (G>A on the coding strand, the complement: SYNE1 is on the minus strand). VCF-style: chr6-152244635-C-T. GRCh37 (hg19) VCF-style: chr6-152565770-C-T.
Other names: c.19381G>A, p.Gly6461Arg (NM_033071.5); short protein forms G6461R, G6532R.
Identifiers: ClinVar variation 2684040 (VCV002684040.1), dbSNP rs2086632908, ClinGen allele CA366131184.

ClinVar aggregate classification (germline): Uncertain significance (1 of 4 stars; one submission).

Submission:

Athena Diagnostics
Classification: Uncertain significance. Last evaluated: 2023-06-21. Review status: criteria provided, single submitter. Criteria: Athena Diagnostics Criteria. Collection method: clinical testing. Allele origin: unknown.
Comment: Available data are insufficient to determine the clinical significance of the variant at this time. This variant has not been reported in large, multi-ethnic general populations. Computational tools predict that this variant is not damaging.